The following is an entry in ClinVar:

ClinVar aggregate classification (germline): Likely benign (1 of 4 stars; one submission).

Allele frequency attached by ClinVar (database versions not stated): 1000 Genomes Project 0.00240; 1000 Genomes Project 30x 0.00250; gnomAD 0.00428; TOPMed 0.00456; ESP Exome Variant Server 0.00512; gnomAD exomes 0.00563; ExAC 0.00576.
gnomAD v4.1: 8,843 of 1,613,996 alleles (0.55%); highest among the groups gnomAD compares: Non-Finnish European, 0.63%; 42 homozygotes.

Submission:

CeGaT Center for Human Genetics Tuebingen
Classification: Likely benign. Last evaluated: 2022-11-01. Review status: criteria provided, single submitter. Criteria: CeGaT Center For Human Genetics Tuebingen Variant Classification Criteria Version 2. Collection method: clinical testing. Allele origin: germline. Affected: yes. Observed: 1 variant allele.
Comment: INTS2: BP4, BP7, BS2

NM_001351695.2(INTS2):c.186C>T (p.Leu62=)

Gene: INTS2 (integrator complex subunit 2; minus strand). Cytogenetic location: 17q23.2.
Variant type: single nucleotide variant.
Coding change: c.186C>T on transcript NM_001351695.2 (MANE Select); coding-DNA position 186, C replaced by T.
Protein change: p.Leu62=; no amino-acid change (leucine 62 retained).
Molecular consequence: synonymous variant.
Genome position (GRCh38, 1-based): chr17:61,926,459, G>A on the plus strand (C>T on the coding strand, the complement: INTS2 is on the minus strand). VCF-style: chr17-61926459-G-A. GRCh37 (hg19) VCF-style: chr17-60003820-G-A.
Other names: c.186C>T, p.Leu62= (NM_001330417.2); c.210C>T, p.Leu70= (NM_020748.4).
Identifiers: ClinVar variation 2648003 (VCV002648003.24), dbSNP rs61752321, ClinGen allele CA8691820.